The following is an entry in ClinVar:

NM_057175.5(NAA15):c.811+1G>A

Gene: NAA15 (N-alpha-acetyltransferase 15, NatA auxiliary subunit; plus strand). Cytogenetic location: 4q31.1.
Variant type: single nucleotide variant.
Coding change: c.811+1G>A on transcript NM_057175.5 (MANE Select); the canonical splice donor site of the intron after coding-DNA position 811, G replaced by A.
Molecular consequence: splice donor variant.
Genome position (GRCh38, 1-based): chr4:139,349,582, G>A. VCF-style: chr4-139349582-G-A. GRCh37 (hg19) VCF-style: chr4-140270736-G-A.
Other names: c.811+1G>A (NM_001410842.1).
Identifiers: ClinVar variation 5039995 (VCV005039995.1).

ClinVar aggregate classification (germline): Likely pathogenic (1 of 4 stars; one submission).

gnomAD v4.1: 1 of 1,595,300 alleles (0.000063%); highest among the groups gnomAD compares: Non-Finnish European, 0.000085%; no homozygotes.

Submission:

CeGaT Center for Human Genetics Tuebingen
Classification: Likely pathogenic. Last evaluated: 2026-07-01. Review status: criteria provided, single submitter. Criteria: CeGaT Center For Human Genetics Tuebingen Variant Classification Criteria Version 2. Collection method: clinical testing. Allele origin: germline. Affected: yes. Observed: 2 variant alleles.
Comment: NAA15: PVS1:Strong, PM2